The following is an entry in ClinVar:

ClinVar aggregate classification (germline): Uncertain significance (1 of 4 stars; one submission).

Conditions:
Cohen syndrome (COH1). Also called: PEPPER SYNDROME; Cutis verticis gyrata, retinitis pigmentosa, and sensorineural deafness. Identifiers: Orphanet 193, MedGen C0265223, MONDO:0008999, OMIM 216550.

Submission:

Labcorp Genetics (formerly Invitae), Labcorp
Classification: Uncertain significance for Cohen syndrome. Last evaluated: 2024-02-17. Review status: criteria provided, single submitter. Criteria: Invitae Variant Classification Sherloc (09022015). Collection method: clinical testing. Allele origin: germline.
Comment: This sequence change replaces serine with arginine at codon 3196 of the VPS13B protein (p.Ser3196Arg). The serine residue is weakly conserved and there is a moderate physicochemical difference between serine and arginine. This variant is not present in population databases (gnomAD no frequency). This variant has not been reported in the literature in individuals affected with VPS13B-related conditions. ClinVar contains an entry for this variant (Variation ID: 1375201). Advanced modeling of protein sequence and biophysical properties (such as structural, functional, and spatial information, amino acid conservation, physicochemical variation, residue mobility, and thermodynamic stability) has been performed at Invitae for this missense variant, however the output from this modeling did not meet the statistical confidence thresholds required to predict the impact of this variant on VPS13B protein function. In summary, the available evidence is currently insufficient to determine the role of this variant in disease. Therefore, it has been classified as a Variant of Uncertain Significance.

NM_152564.5(VPS13B):c.9513C>G (p.Ser3171Arg)

Gene: VPS13B (vacuolar protein sorting 13 homolog B; plus strand). Cytogenetic location: 8q22.2.
Variant type: single nucleotide variant.
Coding change: c.9513C>G on transcript NM_152564.5 (MANE Select); coding-DNA position 9513, C replaced by G.
Protein change: p.Ser3171Arg; replaces serine 3171 with arginine.
Molecular consequence: missense variant.
Genome position (GRCh38, 1-based): chr8:99,832,551, C>G. VCF-style: chr8-99832551-C-G. GRCh37 (hg19) VCF-style: chr8-100844779-C-G.
Other names: c.9588C>G, p.Ser3196Arg (NM_017890.5); short protein forms S3171R, S3196R.
Identifiers: ClinVar variation 1375201 (VCV001375201.4), dbSNP rs2130858288, ClinGen allele CA371781764.
Genomic context (GRCh38, chr8:99,832,551, plus strand): 5'-TGCATCCCTGCTTCAGAAACAGATCATGCTGGGCTTTTCTCCTGCCCCAGGTGCTGACAG[C>G]TCACAGTGCTGGAGCCTGCCAGCTATAGTTAGACCAGAGTTTCCCAGACAGAGTGTGGCA-3'
Protein context (NP_689777.3, residues 3161-3181): LGFSPAPGAD[Ser3171Arg]SQCWSLPAIV